The following is an entry in ClinVar:

NM_000441.2(SLC26A4):c.1150-1G>C

Gene: SLC26A4 (solute carrier family 26 member 4; plus strand). Cytogenetic location: 7q22.3.
Variant type: single nucleotide variant.
Coding change: c.1150-1G>C on transcript NM_000441.2 (MANE Select); the canonical splice acceptor site of the intron before coding-DNA position 1150, G replaced by C.
Molecular consequence: splice acceptor variant.
Genome position (GRCh38, 1-based): chr7:107,690,123, G>C. VCF-style: chr7-107690123-G-C. GRCh37 (hg19) VCF-style: chr7-107330568-G-C.
Identifiers: ClinVar variation 2026556 (VCV002026556.4), dbSNP rs1791525285, ClinGen allele CA368839074.
Genomic context (GRCh38, chr7:107,690,123, plus strand): 5'-TCAGCGAAGGTCTTGCAAAGATTCAATTTGTAGGATCGTTGTCATCCAGTCTCTTCCTTA[G>C]GAATTCATTGCCTTTGGGATCAGCAACATCTTCTCAGGATTCTTCTCTTGTTTTGTGGCC-3'

ClinVar aggregate classification (germline): Pathogenic (1 of 4 stars; one submission).

Submission:

Labcorp Genetics (formerly Invitae), Labcorp
Classification: Pathogenic. Last evaluated: 2022-08-23. Review status: criteria provided, single submitter. Criteria: Invitae Variant Classification Sherloc (09022015). Collection method: clinical testing. Allele origin: germline.
Comment: This variant is not present in population databases (gnomAD no frequency). This sequence change affects an acceptor splice site in intron 9 of the SLC26A4 gene. It is expected to disrupt RNA splicing. Variants that disrupt the donor or acceptor splice site typically lead to a loss of protein function (PMID: 16199547), and loss-of-function variants in SLC26A4 are known to be pathogenic (PMID: 16283880, 25394566, 26252218, 26445815). Disruption of this splice site has been observed in individual(s) with Pendred syndrome (PMID: 18250610). In at least one individual the data is consistent with being in trans (on the opposite chromosome) from a pathogenic variant. For these reasons, this variant has been classified as Pathogenic. Algorithms developed to predict the effect of sequence changes on RNA splicing suggest that this variant may disrupt the consensus splice site.

Literature cited by the submitters: PubMed 16199547; PubMed 16283880; PubMed 25394566; PubMed 26252218; PubMed 26445815; PubMed 18250610.